The following is an entry in ClinVar:

ClinVar aggregate classification (germline): Uncertain significance (1 of 4 stars; one submission).

Conditions:
Primary ciliary dyskinesia. Also called: Ciliary dyskinesia. Identifiers: Orphanet 244, MedGen C0008780, MONDO:0016575, HP:0012265.

gnomAD v4.1: 2 of 1,572,368 alleles (0.00013%); highest among the groups gnomAD compares: Non-Finnish European, 0.00017%; no homozygotes.

Submission:

Labcorp Genetics (formerly Invitae), Labcorp
Classification: Uncertain significance for Primary ciliary dyskinesia. Last evaluated: 2024-04-03. Review status: criteria provided, single submitter. Criteria: Invitae Variant Classification Sherloc (09022015). Collection method: clinical testing. Allele origin: germline.
Comment: This sequence change replaces lysine, which is basic and polar, with isoleucine, which is neutral and non-polar, at codon 1238 of the DNAH8 protein (p.Lys1238Ile). This variant is not present in population databases (gnomAD no frequency). This variant has not been reported in the literature in individuals affected with DNAH8-related conditions. Advanced modeling of protein sequence and biophysical properties (such as structural, functional, and spatial information, amino acid conservation, physicochemical variation, residue mobility, and thermodynamic stability) performed at Invitae indicates that this missense variant is not expected to disrupt DNAH8 protein function with a negative predictive value of 80%. In summary, the available evidence is currently insufficient to determine the role of this variant in disease. Therefore, it has been classified as a Variant of Uncertain Significance.

NM_001206927.2(DNAH8):c.3713A>T (p.Lys1238Ile)

Gene: DNAH8 (dynein axonemal heavy chain 8; plus strand). Cytogenetic location: 6p21.2.
Variant type: single nucleotide variant.
Coding change: c.3713A>T on transcript NM_001206927.2 (MANE Select); coding-DNA position 3713, A replaced by T.
Protein change: p.Lys1238Ile; replaces lysine 1238 with isoleucine.
Molecular consequence: missense variant.
Genome position (GRCh38, 1-based): chr6:38,823,027, A>T. VCF-style: chr6-38823027-A-T. GRCh37 (hg19) VCF-style: chr6-38790803-A-T.
Other names: c.3062A>T, p.Lys1021Ile (NM_001371.4); short protein forms K1238I, K1021I.
Identifiers: ClinVar variation 3669437 (VCV003669437.1).